The following is an entry in ClinVar:

NM_024675.4(PALB2):c.2173T>C (p.Ser725Pro)

Gene: PALB2 (partner and localizer of BRCA2; minus strand). Cytogenetic location: 16p12.2.
Variant type: single nucleotide variant.
Coding change: c.2173T>C on transcript NM_024675.4 (MANE Select); coding-DNA position 2173, T replaced by C.
Protein change: p.Ser725Pro; replaces serine 725 with proline.
Molecular consequence: missense variant.
Genome position (GRCh38, 1-based): chr16:23,629,981, A>G on the plus strand (T>C on the coding strand, the complement: PALB2 is on the minus strand). VCF-style: chr16-23629981-A-G. GRCh37 (hg19) VCF-style: chr16-23641302-A-G.
Other names: short protein forms S725P.
Identifiers: ClinVar variation 1320906 (VCV001320906.9), dbSNP rs2142379132, ClinGen allele CA395125646.

ClinVar aggregate classification (germline): Uncertain significance. Review status: criteria provided, multiple submitters, no conflicts (2 of 4 stars). 3 submissions from 3 submitters: Uncertain significance (3). Last evaluated 2026-07-02.

Conditions:
Hereditary cancer-predisposing syndrome. Also called: Hereditary Cancer Syndrome; Neoplastic Syndromes, Hereditary; Hereditary neoplastic syndrome; Tumor predisposition. Identifiers: Orphanet 140162, MedGen C0027672, MeSH D009386, MONDO:0015356.
Familial cancer of breast. Also called: hereditary breast carcinoma; Hereditary breast cancer; BREAST CANCER, FAMILIAL. Identifiers: Orphanet 227535, MedGen C0346153, MONDO:0016419, OMIM 114480. Disease mechanism: loss of function.

Allele frequency attached by ClinVar (database versions not stated): gnomAD exomes below 0.00001.
gnomAD v4.1: 1 of 1,614,216 alleles (0.000062%); highest among the groups gnomAD compares: Non-Finnish European, 0.000085%; no homozygotes.

Submissions (3):

Ambry Genetics
Classification: Uncertain significance for Hereditary cancer-predisposing syndrome. Last evaluated: 2026-07-02. Review status: criteria provided, single submitter. Criteria: Ambry Variant Classification Scheme 2023. Collection method: clinical testing. Allele origin: germline.
Comment: The p.S725P variant (also known as c.2173T>C), located in coding exon 5 of the PALB2 gene, results from a T to C substitution at nucleotide position 2173. The serine at codon 725 is replaced by proline, an amino acid with similar properties. This amino acid position is conserved. In addition, this alteration is predicted to be tolerated by in silico analysis. Based on the available evidence, the clinical significance of this variant remains unclear.

Labcorp Genetics (formerly Invitae), Labcorp
Classification: Uncertain significance for Familial cancer of breast. Last evaluated: 2021-11-25. Review status: criteria provided, single submitter. Criteria: Invitae Variant Classification Sherloc (09022015). Collection method: clinical testing. Allele origin: germline.
Comment: ClinVar contains an entry for this variant (Variation ID: 1320906). In summary, the available evidence is currently insufficient to determine the role of this variant in disease. Therefore, it has been classified as a Variant of Uncertain Significance. Algorithms developed to predict the effect of missense changes on protein structure and function are either unavailable or do not agree on the potential impact of this missense change (SIFT: "Deleterious"; PolyPhen-2: "Benign"; Align-GVGD: "Class C0"). This variant has not been reported in the literature in individuals affected with PALB2-related conditions. This variant is not present in population databases (gnomAD no frequency). This sequence change replaces serine, which is neutral and polar, with proline, which is neutral and non-polar, at codon 725 of the PALB2 protein (p.Ser725Pro).

GeneDx
Classification: Uncertain significance. Last evaluated: 2021-04-06. Review status: criteria provided, single submitter. Criteria: GeneDx Variant Classification Process June 2021. Collection method: clinical testing. Allele origin: germline. Affected: yes.
Comment: Not observed in large population cohorts (Lek 2016); In silico analysis supports that this missense variant has a deleterious effect on protein structure/function; Has not been previously published as pathogenic or benign to our knowledge